The following is an entry in ClinVar:

NM_130466.4(UBE3B):c.751C>T (p.Arg251Trp)

Gene: UBE3B (ubiquitin protein ligase E3B; plus strand). Cytogenetic location: 12q24.11.
Variant type: single nucleotide variant.
Coding change: c.751C>T on transcript NM_130466.4 (MANE Select); coding-DNA position 751, C replaced by T.
Protein change: p.Arg251Trp; replaces arginine 251 with tryptophan.
Molecular consequence: missense variant.
Genome position (GRCh38, 1-based): chr12:109,497,855, C>T. VCF-style: chr12-109497855-C-T. GRCh37 (hg19) VCF-style: chr12-109935660-C-T.
Other names: c.751C>T, p.Arg251Trp (NM_183415.3); c.751C>T (NM_130466.2); short protein forms R251W.
Identifiers: ClinVar variation 1186267 (VCV001186267.5), dbSNP rs200362048, ClinGen allele CA6777675.

ClinVar aggregate classification (germline): Uncertain significance. Review status: criteria provided, multiple submitters, no conflicts (2 of 4 stars). 3 submissions from 3 submitters: Uncertain significance (3). Last evaluated 2023-05-25.

Conditions:
Inborn genetic diseases. Identifiers: MedGen C0950123, MeSH D030342.

Allele frequency attached by ClinVar (database versions not stated): gnomAD exomes 0.00005 and 0.00006; gnomAD 0.00006 and 0.00007; ExAC 0.00007; TOPMed 0.00007; 1000 Genomes Project 30x 0.00016; 1000 Genomes Project 0.00020.
gnomAD v4.1: 88 of 1,614,154 alleles (0.0055%); highest among the groups gnomAD compares: East Asian, 0.0089%; no homozygotes.

Submissions (3):

Ambry Genetics
Classification: Uncertain significance for Inborn genetic diseases. Last evaluated: 2023-05-25. Review status: criteria provided, single submitter. Criteria: Ambry Variant Classification Scheme 2023. Collection method: clinical testing. Allele origin: germline.

GeneDx
Classification: Uncertain significance. Last evaluated: 2019-09-24. Review status: criteria provided, single submitter. Criteria: GeneDx Variant Classification Process June 2021. Collection method: clinical testing. Allele origin: germline. Affected: yes.
Comment: In silico analysis, which includes protein predictors and evolutionary conservation, supports that this variant does not alter protein structure/function; Has not been previously published as pathogenic or benign to our knowledge

Breakthrough Genomics
Classification: Uncertain significance. Review status: criteria provided, single submitter. Criteria: ACMG Guidelines, 2015. Collection method: not provided. Allele origin: germline. Inheritance: Autosomal recessive inheritance. Affected: yes.